The following is an entry in ClinVar:

NM_020975.6(RET):c.350C>G (p.Pro117Arg)

Gene: RET (ret proto-oncogene; plus strand). Cytogenetic location: 10q11.21.
Variant type: single nucleotide variant.
Coding change: c.350C>G on transcript NM_020975.6 (MANE Select); coding-DNA position 350, C replaced by G.
Protein change: p.Pro117Arg; replaces proline 117 with arginine.
Molecular consequence: missense variant.
Genome position (GRCh38, 1-based): chr10:43,102,354, C>G. VCF-style: chr10-43102354-C-G. GRCh37 (hg19) VCF-style: chr10-43597802-C-G.
Other names: c.350C>G, p.Pro117Arg (NM_000323.2, NM_001406743.1, NM_001406744.1 and 16 more transcripts); short protein forms P117R.
Identifiers: ClinVar variation 1495306 (VCV001495306.9), dbSNP rs763295929, ClinGen allele CA376770642.
Genomic context (GRCh38, chr10:43,102,354, plus strand): 5'-CCTGGCAGATGTGGCCGATGCCCCCACAGACCTGACTTCTCTCTGCAGACCGCGGCTTTC[C>G]CCTGCTCACCGTCTACCTCAAGGTCTTCCTGTCACCCACATCCCTTCGTGAGGGCGAGTG-3'
Protein context (NP_066124.1, residues 107-127): EKLSVRNRGF[Pro117Arg]LLTVYLKVFL

ClinVar aggregate classification (germline): Uncertain significance (1 of 4 stars; one submission).

Conditions:
Multiple endocrine neoplasia, type 2 (MEN2). Identifiers: Orphanet 653, MedGen C4048306, MONDO:0019003. Disease mechanism: gain of function.

Submission:

Labcorp Genetics (formerly Invitae), Labcorp
Classification: Uncertain significance for Multiple endocrine neoplasia, type 2. Last evaluated: 2021-02-13. Review status: criteria provided, single submitter. Criteria: Invitae Variant Classification Sherloc (09022015). Collection method: clinical testing. Allele origin: germline.
Comment: In summary, the available evidence is currently insufficient to determine the role of this variant in disease. Therefore, it has been classified as a Variant of Uncertain Significance. Algorithms developed to predict the effect of missense changes on protein structure and function output the following: SIFT: "Tolerated"; PolyPhen-2: "Possibly Damaging"; Align-GVGD: "Class C0". The arginine amino acid residue is found in multiple mammalian species, suggesting that this missense change does not adversely affect protein function. These predictions have not been confirmed by published functional studies and their clinical significance is uncertain. This variant has not been reported in the literature in individuals with RET-related conditions. This variant is not present in population databases (ExAC no frequency). This sequence change replaces proline with arginine at codon 117 of the RET protein (p.Pro117Arg). The proline residue is weakly conserved and there is a moderate physicochemical difference between proline and arginine.